The following is an entry in ClinVar:

ClinVar aggregate classification (germline): Uncertain significance (1 of 4 stars; one submission).

Submission:

Labcorp Genetics (formerly Invitae), Labcorp
Classification: Uncertain significance. Last evaluated: 2024-06-25. Review status: criteria provided, single submitter. Criteria: Invitae Variant Classification Sherloc (09022015). Collection method: clinical testing. Allele origin: germline.
Comment: This sequence change replaces lysine, which is basic and polar, with methionine, which is neutral and non-polar, at codon 67 of the PTH1R protein (p.Lys67Met). This variant is not present in population databases (gnomAD no frequency). This variant has not been reported in the literature in individuals affected with PTH1R-related conditions. An algorithm developed to predict the effect of missense changes on protein structure and function (PolyPhen-2) suggests that this variant is likely to be tolerated. In summary, the available evidence is currently insufficient to determine the role of this variant in disease. Therefore, it has been classified as a Variant of Uncertain Significance.

NM_000316.3(PTH1R):c.200A>T (p.Lys67Met)

Gene: PTH1R (parathyroid hormone 1 receptor; plus strand). Cytogenetic location: 3p21.31.
Variant type: single nucleotide variant.
Coding change: c.200A>T on transcript NM_000316.3 (MANE Select); coding-DNA position 200, A replaced by T.
Protein change: p.Lys67Met; replaces lysine 67 with methionine.
Molecular consequence: missense variant.
Genome position (GRCh38, 1-based): chr3:46,895,756, A>T. VCF-style: chr3-46895756-A-T. GRCh37 (hg19) VCF-style: chr3-46937246-A-T.
Other names: c.200A>T, p.Lys67Met (NM_001184744.1); short protein forms K67M.
Identifiers: ClinVar variation 3610954 (VCV003610954.2).
Genomic context (GRCh38, chr3:46,895,756, plus strand): 5'-CACAGCTGACAGCCATCATTACCACCCTGGTTTCTCCAGCCAGCATAATGGAATCAGACA[A>T]GGGATGGACATCTGCGTCCACATCAGGGAAGCCCAGGAAAGATAAGGCATCTGGGAAGCT-3'
Protein context (NP_000307.1, residues 57-77): QRPASIMESD[Lys67Met]GWTSASTSGK